The following is an entry in ClinVar:

ClinVar aggregate classification (germline): Pathogenic (1 of 4 stars; one submission).

Conditions:
Primary ciliary dyskinesia. Also called: Ciliary dyskinesia. Identifiers: Orphanet 244, MedGen C0008780, MONDO:0016575, HP:0012265.

Allele frequency attached by ClinVar (database versions not stated): TOPMed below 0.00001; ExAC 0.00001; gnomAD 0.00001; gnomAD exomes 0.00001.
gnomAD v4.1: 11 of 1,614,074 alleles (0.00068%); highest among the groups gnomAD compares: Non-Finnish European, 0.00085%; no homozygotes.

Submission:

Labcorp Genetics (formerly Invitae), Labcorp
Classification: Pathogenic for Primary ciliary dyskinesia. Last evaluated: 2022-06-26. Review status: criteria provided, single submitter. Criteria: Invitae Variant Classification Sherloc (09022015). Collection method: clinical testing. Allele origin: germline.
Comment: For these reasons, this variant has been classified as Pathogenic. This variant has not been reported in the literature in individuals affected with RSPH4A-related conditions. This variant is present in population databases (rs751963395, gnomAD 0.003%). This sequence change creates a premature translational stop signal (p.Glu421*) in the RSPH4A gene. It is expected to result in an absent or disrupted protein product. Loss-of-function variants in RSPH4A are known to be pathogenic (PMID: 19200523).

Literature cited by the submitters: PubMed 19200523.

NM_001010892.3(RSPH4A):c.1261G>T (p.Glu421Ter)

Gene: RSPH4A (radial spoke head component 4A; plus strand). Cytogenetic location: 6q22.1.
Variant type: single nucleotide variant.
Coding change: c.1261G>T on transcript NM_001010892.3 (MANE Select); coding-DNA position 1261, G replaced by T.
Protein change: p.Glu421Ter; replaces glutamic acid 421 with a stop codon.
Molecular consequence: nonsense.
Genome position (GRCh38, 1-based): chr6:116,627,968, G>T. VCF-style: chr6-116627968-G-T. GRCh37 (hg19) VCF-style: chr6-116949131-G-T.
Other names: c.1261G>T, p.Glu421Ter (NM_001161664.2); short protein forms E421*.
Identifiers: ClinVar variation 2054972 (VCV002054972.4), dbSNP rs751963395, ClinGen allele CA3970916.